The following is an entry in ClinVar:

ClinVar aggregate classification (germline): Uncertain significance. Review status: criteria provided, multiple submitters, no conflicts (2 of 4 stars). 2 submissions from 2 submitters: Uncertain significance (2). Last evaluated 2025-04-08.

Conditions:
Van Maldergem syndrome 1 (VMLDS1). Also called: Van Maldergem syndrome 1 (VMLDS1). Identifiers: Orphanet 314679, MedGen C4551950, MONDO:0011070, OMIM 601390.

Submissions (2):

Labcorp Genetics (formerly Invitae), Labcorp
Classification: Uncertain significance. Last evaluated: 2025-04-08. Review status: criteria provided, single submitter. Criteria: Invitae Variant Classification Sherloc (09022015). Collection method: clinical testing. Allele origin: germline.
Comment: This sequence change replaces histidine, which is basic and polar, with leucine, which is neutral and non-polar, at codon 3210 of the DCHS1 protein (p.His3210Leu). This variant is not present in population databases (gnomAD no frequency). This variant has not been reported in the literature in individuals affected with DCHS1-related conditions. ClinVar contains an entry for this variant (Variation ID: 3237398). Invitae Evidence Modeling of protein sequence and biophysical properties (such as structural, functional, and spatial information, amino acid conservation, physicochemical variation, residue mobility, and thermodynamic stability) indicates that this missense variant is not expected to disrupt DCHS1 protein function with a negative predictive value of 95%. In summary, the available evidence is currently insufficient to determine the role of this variant in disease. Therefore, it has been classified as a Variant of Uncertain Significance.

Clinical Genomics Laboratory, Washington University in St. Louis
Classification: Uncertain significance for Van Maldergem syndrome 1. Last evaluated: 2024-04-23. Review status: criteria provided, single submitter. Criteria: ACMG Guidelines, 2015. Collection method: clinical testing. Allele origin: germline.
Comment: The DCHS1 c.9629A>T (p.His3210Leu) variant was identified at a near heterozygous allelic fraction of 49%, a frequency which may be consistent with it being of germline origin. This variant, to our knowledge, has not been reported in the medical literature. This variant is absent from the general population (gnomAD v.4.1.0), indicating it is not a common variant. Computational predictors suggest that the variant does not impact DCHS1 function. Due to limited information, and based on ACMG/AMP guidelines for variant interpretation (Richards S et al., PMID: 25741868), the clinical significance of this variant is uncertain at this time.

NM_003737.4(DCHS1):c.9629A>T (p.His3210Leu)

Gene: DCHS1 (dachsous cadherin-related 1; minus strand). Cytogenetic location: 11p15.4.
Variant type: single nucleotide variant.
Coding change: c.9629A>T on transcript NM_003737.4 (MANE Select); coding-DNA position 9629, A replaced by T.
Protein change: p.His3210Leu; replaces histidine 3210 with leucine.
Molecular consequence: missense variant.
Genome position (GRCh38, 1-based): chr11:6,622,047, T>A on the plus strand (A>T on the coding strand, the complement: DCHS1 is on the minus strand). VCF-style: chr11-6622047-T-A. GRCh37 (hg19) VCF-style: chr11-6643278-T-A.
Other names: short protein forms H3210L.
Identifiers: ClinVar variation 3237398 (VCV003237398.2), dbSNP rs1589951196.
Genomic context (GRCh38, chr11:6,622,047, plus strand): 5'-AAGATGGCCCGGGCTGCAGCTGTGTTTGCTGGCTTGGGGGGCACAGACTTGGCTCCTGGG[T>A]GGGCCACGGCAGTGATGAGGGGTGGTGGGTCGATACGGGGAGCTGGGGGACATGGCCGAG-3'
Protein context (NP_003728.1, residues 3200-3220): DPPPLITAVA[His3210Leu]PGAKSVPPKP